The following is an entry in ClinVar:

ClinVar aggregate classification (germline): Uncertain significance. Review status: criteria provided, multiple submitters, no conflicts (2 of 4 stars). 5 submissions from 5 submitters: Uncertain significance (5). Last evaluated 2025-10-21.

Conditions:
Catecholaminergic polymorphic ventricular tachycardia (CVPT). Also called: Catecholamine-induced polymorphic ventricular tachycardia. Identifiers: Orphanet 3286, MedGen C5574922, MONDO:0017990.
Catecholaminergic polymorphic ventricular tachycardia 1. Also called: VENTRICULAR TACHYCARDIA, CATECHOLAMINERGIC POLYMORPHIC, 1, WITH OR WITHOUT ATRIAL DYSFUNCTION AND/OR DILATED CARDIOMYOPATHY; VENTRICULAR TACHYCARDIA, STRESS-INDUCED POLYMORPHIC 1; RYR2-Related Catecholaminergic Polymorphic Ventricular Tachycardia. Identifiers: Orphanet 3286, MedGen C1631597, MONDO:0011484, OMIM 604772.
Cardiovascular phenotype. Identifiers: MedGen CN230736.
Cardiomyopathy (CMYO). Also called: Cardiomyopathies. Identifiers: Orphanet 167848, MedGen C0878544, MONDO:0004994, HP:0001638. Inheritance: Various modes of inheritance.

Allele frequency attached by ClinVar (database versions not stated): gnomAD 0.00001; gnomAD exomes 0.00001; TOPMed 0.00001; ESP Exome Variant Server 0.00008.
gnomAD v4.1: 11 of 1,613,734 alleles (0.00068%); highest among the groups gnomAD compares: East Asian, 0.0022%; no homozygotes.

Submissions (5):

Labcorp Genetics (formerly Invitae), Labcorp
Classification: Uncertain significance for Catecholaminergic polymorphic ventricular tachycardia 1. Last evaluated: 2025-10-21. Review status: criteria provided, single submitter. Criteria: Invitae Variant Classification Sherloc (09022015). Collection method: clinical testing. Allele origin: germline.
Comment: This sequence change replaces arginine, which is basic and polar, with histidine, which is basic and polar, at codon 2205 of the RYR2 protein (p.Arg2205His). This variant is present in population databases (rs370276573, gnomAD 0.006%). This variant has not been reported in the literature in individuals affected with RYR2-related conditions. ClinVar contains an entry for this variant (Variation ID: 1754483). Invitae Evidence Modeling of protein sequence and biophysical properties (such as structural, functional, and spatial information, amino acid conservation, physicochemical variation, residue mobility, and thermodynamic stability) indicates that this missense variant is expected to disrupt RYR2 protein function with a positive predictive value of 95%. In summary, the available evidence is currently insufficient to determine the role of this variant in disease. Therefore, it has been classified as a Variant of Uncertain Significance.

Molecular Diagnostic Laboratory for Inherited Cardiovascular Disease, Montreal Heart Institute
Classification: Uncertain significance for Cardiovascular phenotype. Last evaluated: 2025-04-09. Review status: criteria provided, single submitter. Criteria: ACMG Guidelines, 2015. Collection method: clinical testing. Allele origin: germline. Affected: yes.

Color Diagnostics, LLC DBA Color Health
Classification: Uncertain significance for Cardiomyopathy. Last evaluated: 2024-03-07. Review status: criteria provided, single submitter. Criteria: ACMG Guidelines, 2015. Collection method: clinical testing. Allele origin: germline.
Comment: This missense variant replaces arginine with histidine at codon 2205 of the RYR2 protein. Computational prediction suggests that this variant may have deleterious impact on protein structure and function. To our knowledge, functional studies have not been reported for this variant. This variant has not been reported in individuals affected with RYR2-related disorders in the literature. This variant has been identified in 1/249260 chromosomes in the general population by the Genome Aggregation Database (gnomAD). The available evidence is insufficient to determine the role of this variant in disease conclusively. Therefore, this variant is classified as a Variant of Uncertain Significance.

All of Us Research Program, National Institutes of Health
Classification: Uncertain significance for Catecholaminergic polymorphic ventricular tachycardia. Last evaluated: 2023-12-13. Review status: criteria provided, single submitter. Criteria: ACMG Guidelines, 2015. Collection method: clinical testing. Allele origin: germline. Inheritance: Autosomal dominant inheritance. Observed: 1 variant allele, 1 heterozygote.
Comment: This missense variant replaces arginine with histidine at codon 2205 of the RYR2 protein. Computational prediction suggests that this variant may have deleterious impact on protein structure and function (internally defined REVEL score threshold >= 0.7, PMID: 27666373). To our knowledge, functional studies have not been reported for this variant. This variant has not been reported in individuals affected with RYR2-related disorders in the literature. This variant has been identified in 1/249260 chromosomes in the general population by the Genome Aggregation Database (gnomAD). The available evidence is insufficient to determine the role of this variant in disease conclusively. Therefore, this variant is classified as a Variant of Uncertain Significance.

This study involves interpretation of variants in research participants for the purpose of population health screening. Participant phenotype was not available at the time of variant classification. Additional details can be found in publication PMID: 35346344, PMCID: PMC8962531

Ambry Genetics
Classification: Uncertain significance for Cardiovascular phenotype. Last evaluated: 2022-02-20. Review status: criteria provided, single submitter. Criteria: Ambry Variant Classification Scheme 2023. Collection method: clinical testing. Allele origin: germline.
Comment: The p.R2205H variant (also known as c.6614G>A), located in coding exon 43 of the RYR2 gene, results from a G to A substitution at nucleotide position 6614. The arginine at codon 2205 is replaced by histidine, an amino acid with highly similar properties. This amino acid position is highly conserved in available vertebrate species. In addition, this alteration is predicted to be deleterious by in silico analysis. Since supporting evidence is limited at this time, the clinical significance of this alteration remains unclear.

NM_001035.3(RYR2):c.6614G>A (p.Arg2205His)

Gene: RYR2 (ryanodine receptor 2; plus strand). Cytogenetic location: 1q43.
Variant type: single nucleotide variant.
Coding change: c.6614G>A on transcript NM_001035.3 (MANE Select); coding-DNA position 6614, G replaced by A.
Protein change: p.Arg2205His; replaces arginine 2205 with histidine.
Molecular consequence: missense variant.
Genome position (GRCh38, 1-based): chr1:237,633,636, G>A. VCF-style: chr1-237633636-G-A. GRCh37 (hg19) VCF-style: chr1-237796936-G-A.
Other names: short protein forms R2205H.
Identifiers: ClinVar variation 1754483 (VCV001754483.5), dbSNP rs370276573, ClinGen allele CA39784265.